The following is an entry in ClinVar:

ClinVar aggregate classification (germline): Benign. Review status: criteria provided, single submitter (1 of 4 stars). 2 submissions from 1 submitter: Benign (2). Last evaluated 2018-01-13.

Conditions:
Severe combined immunodeficiency, autosomal recessive, T cell-negative, B cell-negative, NK cell-positive. Also called: SCID, T CELL-NEGATIVE, B CELL-NEGATIVE, NK CELL-POSITIVE; SCID, AR, T-cell negative, B-cell negative, NK cell-positive; Severe combined immunodeficiency due to complete RAG1/2 deficiency. Identifiers: Orphanet 331206, MedGen C1832322, MONDO:0011086, OMIM 601457.
Histiocytic medullary reticulosis. Also called: SEVERE COMBINED IMMUNODEFICIENCY WITH HYPEREOSINOPHILIA; Omenn syndrome. Identifiers: Orphanet 39041, MedGen C2700553, MONDO:0011338, OMIM 603554.

Allele frequency attached by ClinVar (database versions not stated): gnomAD 0.00130 and 0.00204; TOPMed 0.00144; 1000 Genomes Project 30x 0.00843; 1000 Genomes Project 0.00859.

Submissions (2):

Illumina Laboratory Services, Illumina
Classification: Benign for Histiocytic medullary reticulosis. Last evaluated: 2018-01-13. Review status: criteria provided, single submitter. Criteria: ICSL Variant Classification Criteria 13 December 2019. Collection method: clinical testing. Allele origin: germline.
Comment: This variant was observed in the ICSL laboratory as part of a predisposition screen in an ostensibly healthy population. It had not been previously curated by ICSL or reported in the Human Gene Mutation Database (HGMD: prior to June 1st, 2018), and was therefore a candidate for classification through an automated scoring system. Utilizing variant allele frequency, disease prevalence and penetrance estimates, and inheritance mode, an automated score was calculated to assess if this variant is too frequent to cause the disease. Based on the score and internal cut-off values, a variant classified as benign is not then subjected to further curation. The score for this variant resulted in a classification of benign for this disease.

Illumina Laboratory Services, Illumina
Classification: Benign for Severe combined immunodeficiency, autosomal recessive, T cell-negative, B cell-negative, NK cell-positive. Last evaluated: 2018-01-13. Review status: criteria provided, single submitter. Criteria: ICSL Variant Classification Criteria 13 December 2019. Collection method: clinical testing. Allele origin: germline.
Comment: the same text as in the submission from Illumina Laboratory Services, Illumina above.

NM_000448.3(RAG1):c.*2599A>C

Gene: RAG1 (recombination activating 1; plus strand). Cytogenetic location: 11p12.
Variant type: single nucleotide variant.
Coding change: c.*2599A>C on transcript NM_000448.3 (MANE Select); 2599 bases downstream of the stop codon, A replaced by C.
Molecular consequence: 3 prime UTR variant.
Genome position (GRCh38, 1-based): chr11:36,579,035, A>C. VCF-style: chr11-36579035-A-C. GRCh37 (hg19) VCF-style: chr11-36600585-A-C.
Other names: c.*2599A>C (NM_001377278.1, NM_001377279.1, NM_001377280.1 and 1 more transcripts).
Identifiers: ClinVar variation 304534 (VCV000304534.5), dbSNP rs375155856, ClinGen allele CA10639020.